The following is an entry in ClinVar:

ClinVar aggregate classification (germline): Uncertain significance (1 of 4 stars; one submission).

Conditions:
Hereditary cancer-predisposing syndrome. Also called: Hereditary Cancer Syndrome; Hereditary neoplastic syndrome; Neoplastic Syndromes, Hereditary; Tumor predisposition. Identifiers: Orphanet 140162, MedGen C0027672, MeSH D009386, MONDO:0015356.

Submission:

Ambry Genetics
Classification: Uncertain significance for Hereditary cancer-predisposing syndrome. Last evaluated: 2020-02-28. Review status: criteria provided, single submitter. Criteria: Ambry Variant Classification Scheme 2023. Collection method: clinical testing. Allele origin: germline.
Comment: The c.5579_*2del16 variant, located in coding exon 22 of the BRCA1 gene, results from a deletion of 16 nucleotides starting at nucleotide position 5579, which is 13 nucleotides from the end of the gene. This deletion and subsequent frameshift result in the elongation of the protein and an alternate stop codon (p.H1860Rfs*57). Frameshifts are typically deleterious in nature; however, this frameshift occurs at the 3' terminus of BRCA1 and is not expected to trigger nonsense-mediated mRNA decay, and results in the elongation of the protein by 52 amino acids. The exact functional impact of these inserted amino acids is unknown at this time. One study found that this alteration resulted in impaired transcriptional activation activity (Ambry internal data). Since supporting evidence is limited at this time, the clinical significance of this alteration remains unclear.

NM_007294.4(BRCA1):c.5579_*2del (p.His1860fs)

Gene: BRCA1 (BRCA1 DNA repair associated; minus strand). Cytogenetic location: 17q21.31.
Variant type: Deletion.
Coding change: c.5579_*2del on transcript NM_007294.4 (MANE Select); coding-DNA position 5579 through 2 bases downstream of the stop codon, 16 bases deleted (ACAGCCACTACTGACT).
Protein change: p.His1860fs; shifts the reading frame from histidine 1860.
Molecular consequence: frameshift variant. On other transcripts: 3 prime UTR variant (1), non-coding transcript variant (1).
Genome position (GRCh38, 1-based): chr17:43,045,676-43,045,691, AGTCAGTAGTGGCTGT deleted on the plus strand (ACAGCCACTACTGACT on the coding strand, the reverse complement: BRCA1 is on the minus strand). VCF-style (leftmost placement, unchanged base first): chr17-43045675-CAGTCAGTAGTGGCTGT-C. GRCh37 (hg19) VCF-style: chr17-41197692-CAGTCAGTAGTGGCTGT-C.
Other names: c.5576_*2del16, p.His1859_Ter(1863_?)(?) (NM_001407622.1, NM_001407623.1, NM_001407624.1 and 14 more transcripts); c.5573_*2del16, p.His1858_Ter(1862_?)(?) (NM_001407628.1, NM_001407631.1, NM_001407632.1 and 13 more transcripts); c.2972_*2del16, p.His991_Ter(995_?)(?) (NM_001407969.1); c.2336_*2del16, p.His779_Ter(783_?)(?) (NM_001407970.1, NM_001407971.1); c.2333_*2del16, p.His778_Ter(782_?)(?) (NM_001407972.1); c.2270_*2del16, p.His757_Ter(761_?)(?) (NM_001407973.1, NM_001407974.1, NM_001407975.1 and 3 more transcripts); c.2267_*2del16, p.His756_Ter(760_?)(?) (NM_001407979.1, NM_001407980.1, NM_001407981.1 and 11 more transcripts); c.2264_*2del16, p.His755_Ter(759_?)(?) (NM_001408392.1, NM_001408396.1, NM_001408397.1 and 7 more transcripts); and 77 more; short protein forms H1860fs, H756fs, H1813fs, H1881fs.
Identifiers: ClinVar variation 1748398 (VCV001748398.3), dbSNP rs2545777649, ClinGen allele CA2580093786.